The following is an entry in ClinVar:

ClinVar aggregate classification (germline): Uncertain significance. Review status: criteria provided, multiple submitters, no conflicts (2 of 4 stars). 2 submissions from 2 submitters: Uncertain significance (2). Last evaluated 2025-08-12.

Conditions:
Bartter disease type 3. Also called: Bartter syndrome type 3. Identifiers: Orphanet 112, Orphanet 93605, MedGen C1846343, MONDO:0011822, OMIM 607364.
Bartter disease type 4B. Also called: Bartter syndrome, type 4b, digenic; BARTTER SYNDROME, TYPE 4B; BARTTER SYNDROME, TYPE 4B, NEONATAL, WITH SENSORINEURAL DEAFNESS. Identifiers: Orphanet 112, MedGen C4310805, MONDO:0000909, OMIM 613090.

gnomAD v4.1: 18 of 1,613,790 alleles (0.0011%); highest among the groups gnomAD compares: Non-Finnish European, 0.0015%; no homozygotes.

Submissions (2):

Mayo Clinic Laboratories, Mayo Clinic
Classification: Uncertain significance. Last evaluated: 2025-08-12. Review status: criteria provided, single submitter. Criteria: ACMG Guidelines, 2015. Collection method: clinical testing. Allele origin: germline. Observed: 1 variant allele.
Comment: PM2_supporting

Fulgent Genetics
Classification: Uncertain significance for Bartter disease type 3; Bartter disease type 4B. Last evaluated: 2024-03-27. Review status: criteria provided, single submitter. Criteria: ACMG Guidelines, 2015. Collection method: clinical testing. Allele origin: germline.

NM_000085.5(CLCNKB):c.127C>G (p.Leu43Val)

Genes: CLCNKB (chloride voltage-gated channel Kb; plus strand), LOC106501713 (CLCNKB recombination region; plus strand). Cytogenetic location: 1p36.13.
Variant type: single nucleotide variant.
Coding change: c.127C>G on transcript NM_000085.5 (MANE Select); coding-DNA position 127, C replaced by G.
Protein change: p.Leu43Val; replaces leucine 43 with valine.
Molecular consequence: missense variant.
Genome position (GRCh38, 1-based): chr1:16,045,584, C>G. VCF-style: chr1-16045584-C-G. GRCh37 (hg19) VCF-style: chr1-16372079-C-G.
Other names: p.Leu43Val; short protein forms L43V.
Identifiers: ClinVar variation 3599106 (VCV003599106.2).